The following is an entry in ClinVar:

ClinVar aggregate classification (germline): Uncertain significance (1 of 4 stars; one submission).

Conditions:
Birt-Hogg-Dube syndrome. Also called: Birt Hogg Dubé syndrome. Identifiers: Orphanet 122, MedGen C0346010, MONDO:0800444.

Submission:

Labcorp Genetics (formerly Invitae), Labcorp
Classification: Uncertain significance for Birt-Hogg-Dube syndrome. Last evaluated: 2022-08-31. Review status: criteria provided, single submitter. Criteria: Invitae Variant Classification Sherloc (09022015). Collection method: clinical testing. Allele origin: germline.
Comment: This variant results in a copy number gain of the genomic region encompassing exon(s) 14 of the FLCN gene. This region includes the termination codon of the gene. This copy number gain extends beyond the assayed region for this gene and therefore may encompass additional genes. As the precise location of this event is unknown, it may be in tandem or it may be located elsewhere in the genome. This variant has not been reported in the literature in individuals affected with FLCN-related conditions. In summary, the available evidence is currently insufficient to determine the role of this variant in disease. Therefore, it has been classified as a Variant of Uncertain Significance.

NC_000017.11:g.(?_17213655)_(17213866_?)dup

Gene: FLCN (folliculin; minus strand). Cytogenetic location: 17p11.2.
Variant type: Duplication.
Identifiers: ClinVar variation 833162 (VCV000833162.3).